The following is an entry in ClinVar:

NM_001365536.1(SCN9A):c.536G>A (p.Gly179Glu)

Gene: SCN9A (sodium voltage-gated channel alpha subunit 9; minus strand). Cytogenetic location: 2q24.3.
Variant type: single nucleotide variant.
Coding change: c.536G>A on transcript NM_001365536.1 (MANE Select); coding-DNA position 536, G replaced by A.
Protein change: p.Gly179Glu; replaces glycine 179 with glutamic acid.
Molecular consequence: missense variant.
Genome position (GRCh38, 1-based): chr2:166,305,852, C>T on the plus strand (G>A on the coding strand, the complement: SCN9A is on the minus strand). VCF-style: chr2-166305852-C-T. GRCh37 (hg19) VCF-style: chr2-167162362-C-T.
Other names: c.536G>A, p.Gly179Glu (NM_002977.4); short protein forms G179E.
Identifiers: ClinVar variation 538457 (VCV000538457.13), dbSNP rs553375250, ClinGen allele CA1944769.

ClinVar aggregate classification (germline): Conflicting classifications of pathogenicity. Review status: criteria provided, conflicting classifications (1 of 4 stars). 2 submissions from 2 submitters: Uncertain significance (1); Likely benign (1). Last evaluated 2026-01-29.

Conditions:
Generalized epilepsy with febrile seizures plus, type 7 (GEFSP7). Also called: GEFS+, TYPE 7. Identifiers: Orphanet 36387, MedGen C2751778, MONDO:0013470, OMIM 613863.
Neuropathy, hereditary sensory and autonomic, type 2A (HSAN2A). Also called: ACROOSTEOLYSIS, GIACCAI TYPE; ACROOSTEOLYSIS, NEUROGENIC; WNK1-Related HSAN2 (HSAN2A); HSAN IIA; MORVAN DISEASE; NEUROPATHY, CONGENITAL SENSORY. Identifiers: Orphanet 970, MedGen C2752089, MONDO:0024309, OMIM 201300.
SCN9A-related disorder. Also called: SCN9A-related disorders; SCN9A-related condition.

Allele frequency attached by ClinVar (database versions not stated): gnomAD exomes 0.00001 and 0.00006; ExAC 0.00002; gnomAD 0.00004 and 0.00005; TOPMed 0.00008; 1000 Genomes Project 30x 0.00016; 1000 Genomes Project 0.00020.
gnomAD v4.1: 24 of 1,613,308 alleles (0.0015%); highest among the groups gnomAD compares: East Asian, 0.042%; no homozygotes.

Submissions (2):

PreventionGenetics, part of Exact Sciences
Classification: Uncertain significance for SCN9A-related condition. Last evaluated: 2026-01-29. Review status: criteria provided, single submitter. Criteria: ACMG Guidelines, 2015. Collection method: clinical testing. Allele origin: germline.
Comment: The SCN9A c.536G>A variant is predicted to result in the amino acid substitution p.Gly179Glu. To our knowledge, this variant has not been reported in the literature. This variant is reported in 0.072% of alleles in individuals of East Asian descent in gnomAD. At this time, the clinical significance of this variant is uncertain due to the absence of conclusive functional and genetic evidence.

Labcorp Genetics (formerly Invitae), Labcorp
Classification: Likely benign for Neuropathy, hereditary sensory and autonomic, type 2A; Generalized epilepsy with febrile seizures plus, type 7. Last evaluated: 2025-12-13. Review status: criteria provided, single submitter. Criteria: Invitae Variant Classification Sherloc (09022015). Collection method: clinical testing. Allele origin: germline.